The following is an entry in ClinVar:

ClinVar aggregate classification (germline): Pathogenic (1 of 4 stars; one submission).

Conditions:
Exudative vitreoretinopathy 5 (EVR5). Identifiers: Orphanet 891, MedGen C2750079, MONDO:0013218, OMIM 613310.

Submission:

3billion
Classification: Pathogenic for Exudative vitreoretinopathy 5. Last evaluated: 2022-05-22. Review status: criteria provided, single submitter. Criteria: ACMG Guidelines, 2015. Collection method: clinical testing. Allele origin: germline. Affected: yes. Observed: 1 heterozygote.
Comment: The variant is not observed in the gnomAD v2.1.1 dataset. Stop-gained (nonsense): predicted to result in a loss or disruption of normal protein function through nonsense-mediated decay (NMD) or protein truncation. Multiple pathogenic variants are reported downstream of the variant. The variant has been reported to be associated with TSPAN12 related disorder (PMID: 28494495). Therefore, this variant is classified as pathogenic according to the recommendation of ACMG/AMP guideline.

Literature cited by the submitters: PubMed 28494495.

NM_012338.4(TSPAN12):c.345T>G (p.Tyr115Ter)

Gene: TSPAN12 (tetraspanin 12; minus strand). Cytogenetic location: 7q31.31.
Variant type: single nucleotide variant.
Coding change: c.345T>G on transcript NM_012338.4 (MANE Select); coding-DNA position 345, T replaced by G.
Protein change: p.Tyr115Ter; replaces tyrosine 115 with a stop codon.
Molecular consequence: nonsense.
Genome position (GRCh38, 1-based): chr7:120,815,744, A>C on the plus strand (T>G on the coding strand, the complement: TSPAN12 is on the minus strand). VCF-style: chr7-120815744-A-C. GRCh37 (hg19) VCF-style: chr7-120455798-A-C.
Other names: short protein forms Y115*.
Identifiers: ClinVar variation 1687582 (VCV001687582.1), dbSNP rs1437503069, ClinGen allele CA369138756.